The following is an entry in ClinVar:

ClinVar aggregate classification (germline): Uncertain significance (1 of 4 stars; one submission).

Allele frequency attached by ClinVar (database versions not stated): 1000 Genomes Project 30x 0.00016.
gnomAD v4.1: 52 of 1,613,498 alleles (0.0032%); highest among the groups gnomAD compares: Non-Finnish European, 0.0044%; no homozygotes.

Submission:

Labcorp Genetics (formerly Invitae), Labcorp
Classification: Uncertain significance. Last evaluated: 2023-12-21. Review status: criteria provided, single submitter. Criteria: Invitae Variant Classification Sherloc (09022015). Collection method: clinical testing. Allele origin: germline.
Comment: This sequence change replaces aspartic acid, which is acidic and polar, with histidine, which is basic and polar, at codon 3215 of the PCLO protein (p.Asp3215His). This variant is present in population databases (rs75551727, gnomAD 0.007%). This variant has not been reported in the literature in individuals affected with PCLO-related conditions. ClinVar contains an entry for this variant (Variation ID: 2175663). Experimental studies and prediction algorithms are not available or were not evaluated, and the functional significance of this variant is currently unknown. In summary, the available evidence is currently insufficient to determine the role of this variant in disease. Therefore, it has been classified as a Variant of Uncertain Significance.

NM_033026.6(PCLO):c.9643G>C (p.Asp3215His)

Gene: PCLO (piccolo presynaptic cytomatrix protein; minus strand). Cytogenetic location: 7q21.11.
Variant type: single nucleotide variant.
Coding change: c.9643G>C on transcript NM_033026.6 (MANE Select); coding-DNA position 9643, G replaced by C.
Protein change: p.Asp3215His; replaces aspartic acid 3215 with histidine.
Molecular consequence: missense variant.
Genome position (GRCh38, 1-based): chr7:82,950,945, C>G on the plus strand (G>C on the coding strand, the complement: PCLO is on the minus strand). VCF-style: chr7-82950945-C-G. GRCh37 (hg19) VCF-style: chr7-82580261-C-G.
Other names: c.9643G>C, p.Asp3215His (NM_014510.3); short protein forms D3215H.
Identifiers: ClinVar variation 2175663 (VCV002175663.4), dbSNP rs75551727, ClinGen allele CA4319880.